The following is an entry in ClinVar:

ClinVar aggregate classification (germline): Pathogenic (1 of 4 stars; one submission).

Conditions:
Fabry disease. Also called: Fabry's disease; ALPHA-GALACTOSIDASE A DEFICIENCY; ANDERSON-FABRY DISEASE; CERAMIDE TRIHEXOSIDASE DEFICIENCY; GLA DEFICIENCY; HEREDITARY DYSTOPIC LIPIDOSIS. Identifiers: Orphanet 324, MedGen C0002986, MONDO:0010526, OMIM 301500, HP:0001071. Disease mechanism: Fabry disease is due to inactivating mutations in the X-linked GLA gene resulting in deficiency of the enzyme Alpha Galactosidase-A., loss of function.

Submission:

Genomenon, Inc
Classification: Pathogenic for Fabry disease. Last evaluated: 2026-09-08. Review status: criteria provided, single submitter. Criteria: Genomenon Sequence Variant Interpretation Standards - Updated. Collection method: curation. Allele origin: germline. Affected: yes.
Comment: GLA p.Met1? (c.2T>G) is a variant that disrupts the initiation codon leading to an altered or absent protein product. This variant has been observed in at least one proband with clinical features consistent with Fabry disease (PMID:12175777). At least one functional study has demonstrated a substantial alteration in protein function relative to the wild-type (PMID:27657681). It is absent or not present at a significant frequency in gnomAD. In conclusion, we classify GLA p.Met1? (c.2T>G) as a pathogenic variant.

Literature cited by the submitters: PubMed 12175777; PubMed 27657681.

NM_000169.3(GLA):c.2T>G (p.Met1Arg)

Genes: GLA (galactosidase alpha; minus strand), RPL36A-HNRNPH2 (RPL36A-HNRNPH2 readthrough; plus strand). Cytogenetic location: Xq22.1.
Variant type: single nucleotide variant.
Coding change: c.2T>G on transcript NM_000169.3 (MANE Select); coding-DNA position 2, T replaced by G.
Protein change: p.Met1Arg; changes the start codon (methionine 1).
Molecular consequence: missense variant, initiator codon variant. On other transcripts: non-coding transcript variant (3), intron variant (2).
Genome position (GRCh38, 1-based): chrX:101,407,902, A>C on the plus strand (T>G on the coding strand, the complement: GLA is on the minus strand). VCF-style: chrX-101407902-A-C. GRCh37 (hg19) VCF-style: chrX-100662890-A-C.
Other names: c.2T>G, p.Met1Arg (NM_001406747.1, NM_001406748.1, NM_001406749.1); c.301-4034A>C (NM_001199973.2); c.178-4034A>C (NM_001199974.2); short protein forms M1R.
Identifiers: ClinVar variation 4974846 (VCV004974846.1), dbSNP rs1555987232.